The following is an entry in ClinVar:

ClinVar aggregate classification (germline): Likely pathogenic (1 of 4 stars; one submission).

Conditions:
Neurofibromatosis, type 1 (NF1). Also called: NEUROFIBROMATOSIS, TYPE I, SOMATIC; Neurofibromatosis, type I; VON RECKLINGHAUSEN DISEASE; Peripheral type neurofibromatosis. Identifiers: Orphanet 636, MedGen C0027831, MONDO:0018975, OMIM 162200. Disease mechanism: loss of function.

Submission:

Labcorp Genetics (formerly Invitae), Labcorp
Classification: Likely pathogenic for Neurofibromatosis, type 1. Last evaluated: 2021-07-16. Review status: criteria provided, single submitter. Criteria: Invitae Variant Classification Sherloc (09022015). Collection method: clinical testing. Allele origin: germline.
Comment: This variant is not present in population databases (ExAC no frequency). This variant, c.4972_4974del, results in the deletion of 1 amino acid(s) of the NF1 protein (p.Ile1658del), but otherwise preserves the integrity of the reading frame. This variant has been observed in individual(s) with clinical features of neurofibromatosis, type 1 (Invitae). In at least one individual the variant was observed to be de novo. Experimental studies and prediction algorithms are not available or were not evaluated, and the functional significance of this variant is currently unknown. In summary, the currently available evidence indicates that the variant is pathogenic, but additional data are needed to prove that conclusively. Therefore, this variant has been classified as Likely Pathogenic.

NM_001042492.3(NF1):c.5035_5037del (p.Ile1679del)

Gene: NF1 (neurofibromin 1; plus strand). Cytogenetic location: 17q11.2.
Variant type: Deletion.
Coding change: c.5035_5037del on transcript NM_001042492.3 (MANE Select); coding-DNA positions 5035 to 5037, 3 bases deleted (ATC; older notation c.5035_5037delATC).
Protein change: p.Ile1679del; deletes isoleucine 1679.
Molecular consequence: inframe deletion. On other transcripts: inframe indel (1).
Genome position (GRCh38, 1-based): chr17:31,326,019-31,326,021, ATC deleted. VCF-style (leftmost placement, unchanged base first): chr17-31326018-TATC-T. GRCh37 (hg19) VCF-style: chr17-29653036-TATC-T.
Other names: c.4972_4974delATC, p.Ile1658del (NM_000267.4); short protein forms I1679del, I1658del.
Identifiers: ClinVar variation 1491476 (VCV001491476.8), dbSNP rs2151538219, ClinGen allele CA2573153358.